The following is an entry in ClinVar:

NM_004360.5(CDH1):c.1936+5del

Gene: CDH1 (cadherin 1; plus strand). Cytogenetic location: 16q22.1.
Variant type: Deletion.
Coding change: c.1936+5del on transcript NM_004360.5 (MANE Select); 5 bases into the intron after coding-DNA position 1936, one base deleted (G; older notation c.1936+5delG).
Molecular consequence: intron variant.
Genome position (GRCh38, 1-based): chr16:68,822,230, G deleted; the last of 3 consecutive G bases (chr16:68,822,228-68,822,230); deleting any one gives the same sequence. VCF-style (leftmost placement, unchanged base first): chr16-68822227-TG-T. GRCh37 (hg19) VCF-style: chr16-68856130-TG-T.
Other names: c.1936+5del (LRG_301t1); c.388+5del (NM_001317185.2); c.-30+5del (NM_001317186.2); c.1753+5del (NM_001317184.2); c.1936+5delG (NM_004360.3).
Identifiers: ClinVar variation 640431 (VCV000640431.7), dbSNP rs1596963998, ClinGen allele CA915949321.

ClinVar aggregate classification (germline): Uncertain significance (1 of 4 stars; one submission).

Conditions:
Hereditary diffuse gastric adenocarcinoma (HDGC). Also called: DIFFUSE GASTRIC AND LOBULAR BREAST CANCER SYNDROME. Identifiers: Orphanet 26106, MedGen C1708349, MONDO:0007648, OMIM 137215.

Submission:

Labcorp Genetics (formerly Invitae), Labcorp
Classification: Uncertain significance for Hereditary diffuse gastric adenocarcinoma. Last evaluated: 2018-11-07. Review status: criteria provided, single submitter. Criteria: Invitae Variant Classification Sherloc (09022015). Collection method: clinical testing. Allele origin: germline.
Comment: Nucleotide substitutions within the consensus splice site are a relatively common cause of aberrant splicing (PMID: 17576681, 9536098). Algorithms developed to predict the effect of sequence changes on RNA splicing suggest that this variant may disrupt the consensus splice site, but this prediction has not been confirmed by published transcriptional studies. In summary, the available evidence is currently insufficient to determine the role of this variant in disease. Therefore, it has been classified as a Variant of Uncertain Significance. This variant has not been reported in the literature in individuals with CDH1-related disease. This sequence change falls in intron 12 of the CDH1 gene. It does not directly change the encoded amino acid sequence of the CDH1 protein, but it affects a nucleotide within the consensus splice site of the intron. This variant is not present in population databases (ExAC no frequency).

Literature cited by the submitters: PubMed 17576681; PubMed 9536098.